The following is an entry in ClinVar:

ClinVar aggregate classification (germline): Uncertain significance. Review status: criteria provided, multiple submitters, no conflicts (2 of 4 stars). 2 submissions from 2 submitters: Uncertain significance (2). Last evaluated 2025-01-27.

Conditions:
RASopathy. Also called: Noonan spectrum disorder; rasopathies. Identifiers: Orphanet 536391, MedGen C5555857, MONDO:0021060.
Cardiovascular phenotype. Identifiers: MedGen CN230736.

Allele frequency attached by ClinVar (database versions not stated): gnomAD exomes below 0.00001; gnomAD 0.00001.
gnomAD v4.1: 2 of 1,611,430 alleles (0.00012%); highest among the groups gnomAD compares: African/African-American, 0.0013%; no homozygotes.

Submissions (2):

Labcorp Genetics (formerly Invitae), Labcorp
Classification: Uncertain significance for RASopathy. Last evaluated: 2025-01-27. Review status: criteria provided, single submitter. Criteria: Invitae Variant Classification Sherloc (09022015). Collection method: clinical testing. Allele origin: germline.
Comment: This sequence change replaces leucine, which is neutral and non-polar, with valine, which is neutral and non-polar, at codon 710 of the SOS1 protein (p.Leu710Val). This variant is not present in population databases (gnomAD no frequency). This variant has not been reported in the literature in individuals affected with SOS1-related conditions. ClinVar contains an entry for this variant (Variation ID: 2567928). Invitae Evidence Modeling of protein sequence and biophysical properties (such as structural, functional, and spatial information, amino acid conservation, physicochemical variation, residue mobility, and thermodynamic stability) indicates that this missense variant is not expected to disrupt SOS1 protein function with a negative predictive value of 95%. In summary, the available evidence is currently insufficient to determine the role of this variant in disease. Therefore, it has been classified as a Variant of Uncertain Significance.

Ambry Genetics
Classification: Uncertain significance for Cardiovascular phenotype. Last evaluated: 2023-03-18. Review status: criteria provided, single submitter. Criteria: Ambry Variant Classification Scheme 2023. Collection method: clinical testing. Allele origin: germline.
Comment: The p.L710V variant (also known as c.2128C>G), located in coding exon 13 of the SOS1 gene, results from a C to G substitution at nucleotide position 2128. The leucine at codon 710 is replaced by valine, an amino acid with highly similar properties. This amino acid position is conserved. In addition, the in silico prediction for this alteration is inconclusive. Since supporting evidence is limited at this time, the clinical significance of this alteration remains unclear.

NM_005633.4(SOS1):c.2128C>G (p.Leu710Val)

Gene: SOS1 (SOS Ras/Rac guanine nucleotide exchange factor 1; minus strand). Cytogenetic location: 2p22.1.
Variant type: single nucleotide variant.
Coding change: c.2128C>G on transcript NM_005633.4 (MANE Select); coding-DNA position 2128, C replaced by G.
Protein change: p.Leu710Val; replaces leucine 710 with valine.
Molecular consequence: missense variant.
Genome position (GRCh38, 1-based): chr2:39,013,499, G>C on the plus strand (C>G on the coding strand, the complement: SOS1 is on the minus strand). VCF-style: chr2-39013499-G-C. GRCh37 (hg19) VCF-style: chr2-39240640-G-C.
Other names: c.2107C>G, p.Leu703Val (NM_001382394.1); c.2128C>G, p.Leu710Val (NM_001382395.1); short protein forms L703V, L710V.
Identifiers: ClinVar variation 2567928 (VCV002567928.4), dbSNP rs900337258, ClinGen allele CA45661516.